The following is an entry in ClinVar:

NM_001194.4(HCN2):c.736G>A (p.Val246Met)

Gene: HCN2 (hyperpolarization activated cyclic nucleotide gated potassium and sodium channel 2; plus strand). Cytogenetic location: 19p13.3.
Variant type: single nucleotide variant.
Coding change: c.736G>A on transcript NM_001194.4 (MANE Select); coding-DNA position 736, G replaced by A.
Protein change: p.Val246Met; replaces valine 246 with methionine.
Molecular consequence: missense variant.
Genome position (GRCh38, 1-based): chr19:603,647, G>A. VCF-style: chr19-603647-G-A. GRCh37 (hg19) VCF-style: chr19-603647-G-A.
Other names: short protein forms V246M.
Identifiers: ClinVar variation 1240012 (VCV001240012.2), dbSNP rs772145901, ClinGen allele CA9018222.

ClinVar aggregate classification (germline): Likely pathogenic. Review status: criteria provided, single submitter (1 of 4 stars). 2 submissions from 2 submitters: Likely pathogenic (1). 1 of the submissions does not count toward it. Last evaluated 2025-10-01.

Conditions:
Epilepsy, idiopathic generalized, susceptibility to, 17 (EIG17). Identifiers: MedGen C5561931, MONDO:0100519, OMIM 602477.
Febrile seizures, familial, 2 (FEB2). Also called: Convulsions, familial febrile, 2. Identifiers: MedGen C1865342, MONDO:0011231.

Allele frequency attached by ClinVar (database versions not stated): ExAC 0.00003; gnomAD 0.00001.
gnomAD v4.1: 20 of 1,612,344 alleles (0.0012%); highest among the groups gnomAD compares: South Asian, 0.0033%; no homozygotes.

Submissions (2):

3billion
Classification: Likely pathogenic for Epilepsy, idiopathic generalized, susceptibility to, 17. Last evaluated: 2025-10-01. Review status: criteria provided, single submitter. Criteria: ACMG Guidelines, 2015. Collection method: clinical testing. Allele origin: germline. Affected: yes.
Comment: The variant is observed at an extremely low frequency in the gnomAD v4.1.0 dataset (total allele frequency: 0.001%). Predicted Consequence/Location: Missense variant. Missense changes are a common disease-causing mechanism. Functional studies provide moderate evidence of the variant having a damaging effect on the gene or gene product (PMID: 29064616). In silico tool predictions suggest damaging effect of the variant on gene or gene product [REVEL: 0.79 (>=0.6, sensitivity 0.68 and specificity 0.92)]. The same nucleotide change resulting in the same amino acid change has been previously reported to be associated with HCN2-related disorder (PMID: 29064616). However, the evidence of pathogenicity is insufficient at this time. Therefore, this variant is classified as Risk allele according to the recommendation of ACMG/AMP guideline.

OMIM
Classification: risk factor for EPILEPSY, IDIOPATHIC GENERALIZED, SUSCEPTIBILITY TO, 17. Last evaluated: 2021-09-09. Review status: no assertion criteria provided. Collection method: literature only. Allele origin: germline. Not counted in ClinVar's aggregate classification.

Literature cited by the submitters: PubMed 29064616 (cited by 3billion and OMIM).